The following is an entry in ClinVar:

ClinVar aggregate classification (germline): Benign/Likely benign. Review status: criteria provided, multiple submitters, no conflicts (2 of 4 stars). 4 submissions from 4 submitters: Benign (3); Likely benign (1). Last evaluated 2026-01-31.

Conditions:
Autosomal recessive distal renal tubular acidosis. Identifiers: Orphanet 402041, MedGen C1864498, MONDO:0018440.
Renal tubular acidosis, distal, 3, with or without sensorineural hearing loss (DRTA3). Identifiers: MedGen C5399980, MONDO:0011268, OMIM 602722.

Allele frequency attached by ClinVar (database versions not stated): 1000 Genomes Project 30x 0.01140; gnomAD exomes 0.00097 and 0.00228; ExAC 0.00301; gnomAD 0.00877 and 0.00942; TOPMed 0.01024; ESP Exome Variant Server 0.01046; 1000 Genomes Project 0.01138.
gnomAD v4.1: 2,832 of 1,613,378 alleles (0.18%); highest among the groups gnomAD compares: African/African-American, 3.1%; 35 homozygotes.

Submissions (4):

Labcorp Genetics (formerly Invitae), Labcorp
Classification: Benign. Last evaluated: 2026-01-31. Review status: criteria provided, single submitter. Criteria: Invitae Variant Classification Sherloc (09022015). Collection method: clinical testing. Allele origin: germline.

Mayo Clinic Laboratories, Mayo Clinic
Classification: Benign. Last evaluated: 2025-08-28. Review status: criteria provided, single submitter. Criteria: ACMG Guidelines, 2015. Collection method: clinical testing. Allele origin: germline. Observed: 1 variant allele.
Comment: BS1, BS2, BP4, BP7

Fulgent Genetics
Classification: Likely benign for Renal tubular acidosis, distal, 3, with or without sensorineural hearing loss. Last evaluated: 2021-07-28. Review status: criteria provided, single submitter. Criteria: ACMG Guidelines, 2015. Collection method: clinical testing. Allele origin: unknown.

Illumina Laboratory Services, Illumina
Classification: Benign for Renal tubular acidosis, distal, 3, with or without sensorineural hearing loss. Last evaluated: 2018-01-13. Review status: criteria provided, single submitter. Criteria: ICSL Variant Classification Criteria 13 December 2019. Collection method: clinical testing. Allele origin: germline.
Comment: This variant was observed in the ICSL laboratory as part of a predisposition screen in an ostensibly healthy population. It had not been previously curated by ICSL or reported in the Human Gene Mutation Database (HGMD: prior to June 1st, 2018), and was therefore a candidate for classification through an automated scoring system. Utilizing variant allele frequency, disease prevalence and penetrance estimates, and inheritance mode, an automated score was calculated to assess if this variant is too frequent to cause the disease. Based on the score and internal cut-off values, a variant classified as benign is not then subjected to further curation. The score for this variant resulted in a classification of benign for this disease.

NM_020632.3(ATP6V0A4):c.735T>C (p.Thr245=)

Gene: ATP6V0A4 (ATPase H+ transporting V0 subunit a4; minus strand). Cytogenetic location: 7q34.
Variant type: single nucleotide variant.
Coding change: c.735T>C on transcript NM_020632.3 (MANE Select); coding-DNA position 735, T replaced by C.
Protein change: p.Thr245=; no amino-acid change (threonine 245 retained).
Molecular consequence: synonymous variant.
Genome position (GRCh38, 1-based): chr7:138,755,770, A>G on the plus strand (T>C on the coding strand, the complement: ATP6V0A4 is on the minus strand). VCF-style: chr7-138755770-A-G. GRCh37 (hg19) VCF-style: chr7-138440515-A-G.
Other names: p.Thr245=; c.735T>C, p.Thr245= (NM_130840.3, NM_130841.3).
Identifiers: ClinVar variation 359027 (VCV000359027.16), dbSNP rs77328827, ClinGen allele CA4505011.
Genomic context (GRCh38, chr7:138,755,770, plus strand): 5'-CACATTGACGCTCTCCAACATCTCTCTGCGCTCCACCGCAGGCTCTGGGCAAGGGTAGAC[A>G]GTGGCTCGAAACCTGTGTTTAATATATTCCAAAGGAAACAGGTGAGTTCTTGCTGCAAAG-3'
Protein context (NP_065683.2, residues 235-255): IKKICDGFRA[Thr245=]VYPCPEPAVE